The following is an entry in ClinVar:

NM_002907.4(RECQL):c.125T>C (p.Leu42Pro)

Gene: RECQL (RecQ like helicase; minus strand). Cytogenetic location: 12p12.1.
Variant type: single nucleotide variant.
Coding change: c.125T>C on transcript NM_002907.4 (MANE Select); coding-DNA position 125, T replaced by C.
Protein change: p.Leu42Pro; replaces leucine 42 with proline.
Molecular consequence: missense variant.
Genome position (GRCh38, 1-based): chr12:21,491,608, A>G on the plus strand (T>C on the coding strand, the complement: RECQL is on the minus strand). VCF-style: chr12-21491608-A-G. GRCh37 (hg19) VCF-style: chr12-21644542-A-G.
Other names: c.125T>C, p.Leu42Pro (NM_032941.3); short protein forms L42P.
Identifiers: ClinVar variation 1762816 (VCV001762816.2), dbSNP rs2540405116, ClinGen allele CA384134507.

ClinVar aggregate classification (germline): Uncertain significance (1 of 4 stars; one submission).

Submission:

Ambry Genetics
Classification: Uncertain significance. Last evaluated: 2021-06-27. Review status: criteria provided, single submitter. Criteria: Ambry Variant Classification Scheme 2023. Collection method: clinical testing. Allele origin: germline.
Comment: The p.L42P variant (also known as c.125T>C), located in coding exon 2 of the RECQL gene, results from a T to C substitution at nucleotide position 125. The leucine at codon 42 is replaced by proline, an amino acid with similar properties. This amino acid position is conserved. In addition, the in silico prediction for this alteration is inconclusive. Since supporting evidence is limited at this time, the clinical significance of this alteration remains unclear.